The following is an entry in ClinVar:

ClinVar aggregate classification (germline): Conflicting classifications of pathogenicity. Review status: criteria provided, conflicting classifications (1 of 4 stars). 2 submissions from 2 submitters: Uncertain significance (1); Likely benign (1). Last evaluated 2026-07-31.

Conditions:
Cardiovascular phenotype. Identifiers: MedGen CN230736.
Alstrom syndrome (ALMS). Identifiers: Orphanet 64, MedGen C0268425, MONDO:0008763, OMIM 203800.

Allele frequency attached by ClinVar (database versions not stated): gnomAD 0.00001; TOPMed below 0.00001; gnomAD exomes below 0.00001.
gnomAD v4.1: 7 of 1,614,054 alleles (0.00043%); highest among the groups gnomAD compares: East Asian, 0.013%; no homozygotes.

Submissions (2):

Ambry Genetics
Classification: Likely benign for Cardiovascular phenotype. Last evaluated: 2026-07-31. Review status: criteria provided, single submitter. Criteria: Ambry Variant Classification Scheme 2023. Collection method: clinical testing. Allele origin: germline.

Labcorp Genetics (formerly Invitae), Labcorp
Classification: Uncertain significance for Alstrom syndrome. Last evaluated: 2022-06-22. Review status: criteria provided, single submitter. Criteria: Invitae Variant Classification Sherloc (09022015). Collection method: clinical testing. Allele origin: germline.
Comment: This sequence change replaces cysteine, which is neutral and slightly polar, with arginine, which is basic and polar, at codon 4095 of the ALMS1 protein (p.Cys4095Arg). This variant is present in population databases (no rsID available, gnomAD 0.004%). This variant has not been reported in the literature in individuals affected with ALMS1-related conditions. Algorithms developed to predict the effect of missense changes on protein structure and function output the following: SIFT: "Not Available"; PolyPhen-2: "Not Available"; Align-GVGD: "Not Available". The arginine amino acid residue is found in multiple mammalian species, which suggests that this missense change does not adversely affect protein function. In summary, the available evidence is currently insufficient to determine the role of this variant in disease. Therefore, it has been classified as a Variant of Uncertain Significance.

NM_001378454.1(ALMS1):c.12280T>C (p.Cys4094Arg)

Genes: ALMS1 (ALMS1 centrosome and basal body associated protein; plus strand), LOC126806252 (BRD4-independent group 4 enhancer GRCh37_chr2:73828496-73829695; plus strand). Cytogenetic location: 2p13.1.
Variant type: single nucleotide variant.
Coding change: c.12280T>C on transcript NM_001378454.1 (MANE Select); coding-DNA position 12280, T replaced by C.
Protein change: p.Cys4094Arg; replaces cysteine 4094 with arginine.
Molecular consequence: missense variant.
Genome position (GRCh38, 1-based): chr2:73,602,350, T>C. VCF-style: chr2-73602350-T-C. GRCh37 (hg19) VCF-style: chr2-73829477-T-C.
Other names: c.12283T>C, p.Cys4095Arg (NM_015120.4); short protein forms C4094R, C4095R.
Identifiers: ClinVar variation 1436854 (VCV001436854.4), dbSNP rs1280037324, ClinGen allele CA347268737.